The following is an entry in ClinVar:

ClinVar aggregate classification (germline): Uncertain significance (1 of 4 stars; one submission).

Conditions:
Chédiak-Higashi syndrome (CHS). Also called: Chediak-Higashi Syndrome. Identifiers: Orphanet 167, MedGen C0007965, MONDO:0008963, OMIM 214500.

Submission:

Labcorp Genetics (formerly Invitae), Labcorp
Classification: Uncertain significance for Chédiak-Higashi syndrome. Last evaluated: 2020-01-17. Review status: criteria provided, single submitter. Criteria: Invitae Variant Classification Sherloc (09022015). Collection method: clinical testing. Allele origin: germline.
Comment: This sequence change falls in intron 5 of the LYST gene. It does not directly change the encoded amino acid sequence of the LYST protein, but it affects a nucleotide within the consensus splice site of the intron. This variant is not present in population databases (ExAC no frequency). This variant has not been reported in the literature in individuals with LYST-related conditions. Nucleotide substitutions within the consensus splice site are a relatively common cause of aberrant splicing (PMID: 17576681, 9536098). Algorithms developed to predict the effect of sequence changes on RNA splicing suggest that this variant is not likely to affect RNA splicing, but this prediction has not been confirmed by published transcriptional studies. In summary, the available evidence is currently insufficient to determine the role of this variant in disease. Therefore, it has been classified as a Variant of Uncertain Significance.

Literature cited by the submitters: PubMed 17576681; PubMed 9536098.

NM_000081.4(LYST):c.2363+3T>C

Gene: LYST (lysosomal trafficking regulator; minus strand). Cytogenetic location: 1q42.3.
Variant type: single nucleotide variant.
Coding change: c.2363+3T>C on transcript NM_000081.4 (MANE Select); 3 bases into the intron after coding-DNA position 2363, T replaced by C.
Molecular consequence: intron variant.
Genome position (GRCh38, 1-based): chr1:235,808,452, A>G on the plus strand (T>C on the coding strand, the complement: LYST is on the minus strand). VCF-style: chr1-235808452-A-G. GRCh37 (hg19) VCF-style: chr1-235971752-A-G.
Other names: c.2363+3T>C (NM_001301365.1).
Identifiers: ClinVar variation 1022554 (VCV001022554.2), dbSNP rs2527102399, ClinGen allele CA2499214566.